The following is an entry in ClinVar:

NM_001267550.2(TTN):c.105637G>A (p.Glu35213Lys)

Genes: TTN (titin; minus strand), TTN-AS1 (TTN antisense RNA 1; plus strand), LOC129935183 (ATAC-STARR-seq lymphoblastoid active region 16808; plus strand). Cytogenetic location: 2q31.2.
Variant type: single nucleotide variant.
Coding change: c.105637G>A on transcript NM_001267550.2 (MANE Select); coding-DNA position 105637, G replaced by A.
Protein change: p.Glu35213Lys; replaces glutamic acid 35213 with lysine.
Molecular consequence: missense variant.
Genome position (GRCh38, 1-based): chr2:178,530,978, C>T on the plus strand (G>A on the coding strand, the complement: TTN is on the minus strand). VCF-style: chr2-178530978-C-T. GRCh37 (hg19) VCF-style: chr2-179395705-C-T.
Other names: c.100714G>A, p.Glu33572Lys (NM_001256850.1); c.78442G>A, p.Glu26148Lys (NM_003319.4); c.97933G>A, p.Glu32645Lys (NM_133378.4); c.78817G>A, p.Glu26273Lys (NM_133432.3); c.79018G>A, p.Glu26340Lys (NM_133437.4); short protein forms E33572K, E26340K, E35213K, E26148K, E26273K, E32645K.
Identifiers: ClinVar variation 2122557 (VCV002122557.4), dbSNP rs2468391457, ClinGen allele CA349408272.

ClinVar aggregate classification (germline): Uncertain significance (1 of 4 stars; one submission).

Conditions:
Autosomal recessive limb-girdle muscular dystrophy type 2J (LGMDR10). Also called: Limb-girdle muscular dystrophy, type 2J; MUSCULAR DYSTROPHY, LIMB-GIRDLE, AUTOSOMAL RECESSIVE 10. Identifiers: Orphanet 140922, MedGen C1837342, MONDO:0012127, OMIM 608807.
Dilated cardiomyopathy 1G (CMD1G). Identifiers: Orphanet 154, MedGen C1858763, MONDO:0011400, OMIM 604145.

Allele frequency attached by ClinVar (database versions not stated): gnomAD exomes below 0.00001.
gnomAD v4.1: 2 of 1,614,002 alleles (0.00012%); highest among the groups gnomAD compares: East Asian, 0.0045%; no homozygotes.

Submission:

Labcorp Genetics (formerly Invitae), Labcorp
Classification: Uncertain significance for Dilated cardiomyopathy 1G; Autosomal recessive limb-girdle muscular dystrophy type 2J. Last evaluated: 2022-04-07. Review status: criteria provided, single submitter. Criteria: Invitae Variant Classification Sherloc (09022015). Collection method: clinical testing. Allele origin: germline.
Comment: This sequence change replaces glutamic acid, which is acidic and polar, with lysine, which is basic and polar, at codon 35213 of the TTN protein (p.Glu35213Lys). This variant is not present in population databases (gnomAD no frequency). This variant has not been reported in the literature in individuals affected with TTN-related conditions. Experimental studies and prediction algorithms are not available or were not evaluated, and the functional significance of this variant is currently unknown. In summary, the available evidence is currently insufficient to determine the role of this variant in disease. Therefore, it has been classified as a Variant of Uncertain Significance. This variant is located in the M band of TTN (PMID: 25589632). Variants in this region may be relevant for neuromuscular disorders, but have not been definitively shown to cause cardiomyopathy (PMID: 23975875).

Literature cited by the submitters: PubMed 25589632; PubMed 23975875.